The following is an entry in ClinVar:

NM_206933.4(USH2A):c.4252-15dup

Gene: USH2A (usherin; minus strand). Cytogenetic location: 1q41.
Variant type: Duplication.
Coding change: c.4252-15dup on transcript NM_206933.4 (MANE Select); 15 bases into the intron before coding-DNA position 4252, one base duplicated (T; older notation c.4252-15dupT).
Molecular consequence: intron variant.
Genome position (GRCh38, 1-based): chr1:216,190,377, A duplicated on the plus strand (T on the coding strand, the reverse complement: USH2A is on the minus strand); the first of 6 consecutive A bases (chr1:216,190,377-216,190,382); duplicating any one gives the same sequence. VCF-style (leftmost placement, unchanged base first): chr1-216190376-C-CA. GRCh37 (hg19) VCF-style: chr1-216363718-C-CA.
Other names: c.4252-10dupT (NM_206933.4, NM_206933.2); c.4252-15dup (NM_007123.6).
Identifiers: ClinVar variation 991450 (VCV000991450.15), dbSNP rs770949401, ClinGen allele CA1395760.

ClinVar aggregate classification (germline): Benign/Likely benign. Review status: criteria provided, multiple submitters, no conflicts (2 of 4 stars). 7 submissions from 6 submitters: Benign (3); Likely benign (2). 2 of the submissions do not count toward it. Last evaluated 2026-01-22.

Conditions:
Retinitis pigmentosa 39 (RP39). Identifiers: Orphanet 791, MedGen C3151138, MONDO:0013436, OMIM 613809.
USH2A-related disorder. Also called: USH2A-related condition; USH2A-related disorders. Identifiers: MedGen CN239332.
Usher syndrome type 2A. Also called: USHER SYNDROME, TYPE IIA; RETINAL DISEASE IN USHER SYNDROME TYPE IIA, MODIFIER OF. Identifiers: Orphanet 231178, Orphanet 886, MedGen C1848634, MONDO:0010169, OMIM 276901.

Submissions (7):

Labcorp Genetics (formerly Invitae), Labcorp
Classification: Benign. Last evaluated: 2026-01-22. Review status: criteria provided, single submitter. Criteria: Invitae Variant Classification Sherloc (09022015). Collection method: clinical testing. Allele origin: germline.

Blueprint Genetics
Classification: Likely benign. Last evaluated: 2024-11-25. Review status: criteria provided, single submitter. Criteria: ACMG Guidelines, 2015. Collection method: clinical testing. Allele origin: germline.

Genome-Nilou Lab
Classification: Benign for Retinitis pigmentosa 39. Last evaluated: 2023-04-11. Review status: criteria provided, single submitter. Criteria: ACMG Guidelines, 2015. Collection method: clinical testing. Allele origin: germline. Affected: no.

Genome-Nilou Lab
Classification: Benign for Usher syndrome type 2A. Last evaluated: 2023-04-11. Review status: criteria provided, single submitter. Criteria: ACMG Guidelines, 2015. Collection method: clinical testing. Allele origin: germline. Affected: no.

GeneDx
Classification: Likely benign. Last evaluated: 2021-04-08. Review status: criteria provided, single submitter. Criteria: GeneDx Variant Classification Process June 2021. Collection method: clinical testing. Allele origin: germline. Affected: yes.

Natera, Inc.
Classification: Benign for Usher syndrome type 2A. Last evaluated: 2020-07-19. Review status: no assertion criteria provided. Collection method: clinical testing. Allele origin: germline. Not counted in ClinVar's aggregate classification.

PreventionGenetics, part of Exact Sciences
Classification: Benign for USH2A-related condition. Last evaluated: 2019-08-02. Review status: no assertion criteria provided. Collection method: clinical testing. Allele origin: germline. Not counted in ClinVar's aggregate classification.
Comment: This variant is classified as benign based on ACMG/AMP sequence variant interpretation guidelines (Richards et al. 2015 PMID: 25741868, with internal and published modifications).